The following is an entry in ClinVar:

ClinVar aggregate classification (germline): Uncertain significance (1 of 4 stars; one submission).

Conditions:
Inborn genetic diseases. Identifiers: MedGen C0950123, MeSH D030342.

Submission:

Ambry Genetics
Classification: Uncertain significance for Inborn genetic diseases. Last evaluated: 2022-06-15. Review status: criteria provided, single submitter. Criteria: Ambry Variant Classification Scheme 2023. Collection method: clinical testing. Allele origin: germline.
Comment: The p.Q719R variant (also known as c.2156A>G), located in coding exon 18 of the LRRK2 gene, results from an A to G substitution at nucleotide position 2156. The glutamine at codon 719 is replaced by arginine, an amino acid with highly similar properties. This amino acid position is conserved. In addition, this alteration is predicted to be tolerated by in silico analysis. Since supporting evidence is limited at this time, the clinical significance of this alteration remains unclear.

NM_198578.4(LRRK2):c.2156A>G (p.Gln719Arg)

Gene: LRRK2 (leucine rich repeat kinase 2; plus strand). Cytogenetic location: 12q12.
Variant type: single nucleotide variant.
Coding change: c.2156A>G on transcript NM_198578.4 (MANE Select); coding-DNA position 2156, A replaced by G.
Protein change: p.Gln719Arg; replaces glutamine 719 with arginine.
Molecular consequence: missense variant.
Genome position (GRCh38, 1-based): chr12:40,278,176, A>G. VCF-style: chr12-40278176-A-G. GRCh37 (hg19) VCF-style: chr12-40671978-A-G.
Other names: short protein forms Q719R.
Identifiers: ClinVar variation 1786818 (VCV001786818.2), dbSNP rs2499638995, ClinGen allele CA384405152.
Genomic context (GRCh38, chr12:40,278,176, plus strand): 5'-TTGCAAAAGTAGCTATGGATGATTACTTAAAAAATGTGATGCTAGAGAGAGCGTGTGATC[A>G]GAATAACAGCATCATGGTTGAATGCTTGCTTCTATTGGGAGCAGATGCCAATCAAGCAAA-3'
Protein context (NP_940980.4, residues 709-729): KNVMLERACD[Gln719Arg]NNSIMVECLL